The following is an entry in ClinVar:

ClinVar aggregate classification (germline): Uncertain significance (1 of 4 stars; one submission).

gnomAD v4.1: 2 of 1,614,094 alleles (0.00012%); highest among the groups gnomAD compares: Non-Finnish European, 0.00017%; no homozygotes.

Submission:

Labcorp Genetics (formerly Invitae), Labcorp
Classification: Uncertain significance. Last evaluated: 2025-12-27. Review status: criteria provided, single submitter. Criteria: Invitae Variant Classification Sherloc (09022015). Collection method: clinical testing. Allele origin: germline.
Comment: This sequence change replaces aspartic acid, which is acidic and polar, with glycine, which is neutral and non-polar, at codon 23 of the MYO6 protein (p.Asp23Gly). This variant is not present in population databases (gnomAD no frequency). This variant has not been reported in the literature in individuals affected with MYO6-related conditions. Invitae Evidence Modeling of protein sequence and biophysical properties (such as structural, functional, and spatial information, amino acid conservation, physicochemical variation, residue mobility, and thermodynamic stability) indicates that this missense variant is expected to disrupt MYO6 protein function with a positive predictive value of 80%. In summary, the available evidence is currently insufficient to determine the role of this variant in disease. Therefore, it has been classified as a Variant of Uncertain Significance.

NM_004999.4(MYO6):c.68A>G (p.Asp23Gly)

Gene: MYO6 (myosin VI; plus strand). Cytogenetic location: 6q14.1.
Variant type: single nucleotide variant.
Coding change: c.68A>G on transcript NM_004999.4 (MANE Select); coding-DNA position 68, A replaced by G.
Protein change: p.Asp23Gly; replaces aspartic acid 23 with glycine.
Molecular consequence: missense variant. On other transcripts: non-coding transcript variant (2).
Genome position (GRCh38, 1-based): chr6:75,817,615, A>G. VCF-style: chr6-75817615-A-G. GRCh37 (hg19) VCF-style: chr6-76527332-A-G.
Other names: c.68A>G, p.Asp23Gly (NM_001300899.2, NM_001368136.1, NM_001368137.1 and 5 more transcripts); short protein forms D23G.
Identifiers: ClinVar variation 4707288 (VCV004707288.1).